The following is an entry in ClinVar:

ClinVar aggregate classification (germline): Uncertain significance (1 of 4 stars; one submission).

Conditions:
Epilepsy, familial adult myoclonic, 5 (EPEO5). Also called: CORTICAL MYOCLONIC TREMOR WITH EPILEPSY, FAMILIAL, 5. Identifiers: Orphanet 86814, MedGen C3809374, MONDO:0014167, OMIM 615400.

Submission:

Labcorp Genetics (formerly Invitae), Labcorp
Classification: Uncertain significance for Epilepsy, familial adult myoclonic, 5. Last evaluated: 2022-08-31. Review status: criteria provided, single submitter. Criteria: Invitae Variant Classification Sherloc (09022015). Collection method: clinical testing. Allele origin: germline.
Comment: In summary, the available evidence is currently insufficient to determine the role of this variant in disease. Therefore, it has been classified as a Variant of Uncertain Significance. Algorithms developed to predict the effect of sequence changes on RNA splicing suggest that this variant may create or strengthen a splice site. Algorithms developed to predict the effect of missense changes on protein structure and function are either unavailable or do not agree on the potential impact of this missense change (SIFT: "Deleterious"; PolyPhen-2: "Probably Damaging"; Align-GVGD: "Class C0"). ClinVar contains an entry for this variant (Variation ID: 474473). This variant has not been reported in the literature in individuals affected with CNTN2-related conditions. This variant is not present in population databases (gnomAD no frequency). This sequence change replaces tryptophan, which is neutral and slightly polar, with arginine, which is basic and polar, at codon 678 of the CNTN2 protein (p.Trp678Arg).

NM_005076.5(CNTN2):c.2032T>A (p.Trp678Arg)

Gene: CNTN2 (contactin 2; plus strand). Cytogenetic location: 1q32.1.
Variant type: single nucleotide variant.
Coding change: c.2032T>A on transcript NM_005076.5 (MANE Select); coding-DNA position 2032, T replaced by A.
Protein change: p.Trp678Arg; replaces tryptophan 678 with arginine.
Molecular consequence: missense variant. On other transcripts: non-coding transcript variant (1).
Genome position (GRCh38, 1-based): chr1:205,067,157, T>A. VCF-style: chr1-205067157-T-A. GRCh37 (hg19) VCF-style: chr1-205036285-T-A.
Other names: c.2032T>A, p.Trp678Arg (NM_001346083.2); short protein forms W678R.
Identifiers: ClinVar variation 474473 (VCV000474473.8), dbSNP rs1553347245, ClinGen allele CA344376814.